The following is an entry in ClinVar:

NM_000059.4(BRCA2):c.6699T>C (p.Ala2233=)

Gene: BRCA2 (BRCA2 DNA repair associated; plus strand). Cytogenetic location: 13q13.1.
Variant type: single nucleotide variant.
Coding change: c.6699T>C on transcript NM_000059.4 (MANE Select); coding-DNA position 6699, T replaced by C.
Protein change: p.Ala2233=; no amino-acid change (alanine 2233 retained).
Molecular consequence: synonymous variant.
Genome position (GRCh38, 1-based): chr13:32,341,054, T>C. VCF-style: chr13-32341054-T-C. GRCh37 (hg19) VCF-style: chr13-32915191-T-C.
Identifiers: ClinVar variation 531481 (VCV000531481.14), dbSNP rs1555284797, ClinGen allele CA483439417.

ClinVar aggregate classification (germline): Likely benign. Review status: criteria provided, multiple submitters, no conflicts (2 of 4 stars). 3 submissions from 3 submitters: Likely benign (3). Last evaluated 2024-08-07.

Conditions:
Hereditary cancer-predisposing syndrome. Also called: Neoplastic Syndromes, Hereditary; Hereditary neoplastic syndrome; Tumor predisposition; Hereditary Cancer Syndrome. Identifiers: Orphanet 140162, MedGen C0027672, MeSH D009386, MONDO:0015356.
Breast-ovarian cancer, familial, susceptibility to, 2 (BROVCA2). Also called: BRCA2 Hereditary Breast and Ovarian Cancer. Identifiers: Orphanet 145, MedGen C2675520, MONDO:0012933, OMIM 612555. Disease mechanism: loss of function.
Hereditary breast ovarian cancer syndrome. Also called: Hereditary breast and ovarian cancer syndrome; Hereditary breast and ovarian cancer syndrome (HBOC); BRCA1- and BRCA2-Associated Hereditary Breast and Ovarian Cancer; Hereditary breast and ovarian cancer; Breast and ovarian cancer; Hereditary breast and/or ovarian cancer syndrome. Identifiers: Orphanet 145, MedGen C0677776, MeSH D061325, MONDO:0003582. Disease mechanism: loss of function.

Submissions (3):

Labcorp Genetics (formerly Invitae), Labcorp
Classification: Likely benign for Hereditary breast ovarian cancer syndrome. Last evaluated: 2024-08-07. Review status: criteria provided, single submitter. Criteria: Invitae Variant Classification Sherloc (09022015). Collection method: clinical testing. Allele origin: germline.

All of Us Research Program, National Institutes of Health
Classification: Likely benign for Breast-ovarian cancer, familial, susceptibility to, 2. Last evaluated: 2023-06-26. Review status: criteria provided, single submitter. Criteria: ACMG Guidelines, 2015. Collection method: clinical testing. Allele origin: germline. Inheritance: Autosomal dominant inheritance. Observed: 1 variant allele, 1 heterozygote.
Comment: This study involves interpretation of variants in research participants for the purpose of population health screening. Participant phenotype was not available at the time of variant classification. Additional details can be found in publication PMID: 35346344, PMCID: PMC8962531

Ambry Genetics
Classification: Likely benign for Hereditary cancer-predisposing syndrome. Last evaluated: 2015-01-26. Review status: criteria provided, single submitter. Criteria: Ambry Variant Classification Scheme 2023. Collection method: clinical testing. Allele origin: germline.